The following is an entry in ClinVar:

NM_000156.6(GAMT):c.348G>A (p.Leu116=)

Gene: GAMT (guanidinoacetate N-methyltransferase; minus strand). Cytogenetic location: 19p13.3.
Variant type: single nucleotide variant.
Coding change: c.348G>A on transcript NM_000156.6 (MANE Select); coding-DNA position 348, G replaced by A.
Protein change: p.Leu116=; no amino-acid change (leucine 116 retained).
Molecular consequence: synonymous variant.
Genome position (GRCh38, 1-based): chr19:1,399,567, C>T on the plus strand (G>A on the coding strand, the complement: GAMT is on the minus strand). VCF-style: chr19-1399567-C-T. GRCh37 (hg19) VCF-style: chr19-1399566-C-T.
Other names: p.L116L:CTG>CTA; p.Leu116=; c.348G>A, p.Leu116= (NM_138924.3).
Identifiers: ClinVar variation 137435 (VCV000137435.24), dbSNP rs117884619, ClinGen allele CA291017.

ClinVar aggregate classification (germline): Benign. Review status: criteria provided, multiple submitters, no conflicts (2 of 4 stars). 7 submissions from 7 submitters: Benign (6). 1 of the submissions does not count toward it. Last evaluated 2026-01-31.

Conditions:
GAMT-related disorder. Also called: GAMT-related condition.
Cerebral creatine deficiency syndrome. Also called: Creatine deficiency syndromes. Identifiers: Orphanet 79172, MedGen C5244016, MONDO:0000456.
Inborn genetic diseases. Identifiers: MedGen C0950123, MeSH D030342.
Deficiency of guanidinoacetate methyltransferase (CCDS2). Also called: CEREBRAL CREATINE DEFICIENCY SYNDROME 2; Guanidinoacetate Methyltransferase (GAMT) Deficiency; GAMT DEFICIENCY. Identifiers: Orphanet 382, MedGen C0574080, MONDO:0012999, OMIM 612736.

Allele frequency attached by ClinVar (database versions not stated): gnomAD 0.00133 and 0.00180; 1000 Genomes Project 30x 0.01031; 1000 Genomes Project 0.01038; ExAC 0.00397; gnomAD exomes 0.00418 and 0.00126; TOPMed 0.00229.
gnomAD v4.1: 2,107 of 1,613,158 alleles (0.13%); highest among the groups gnomAD compares: East Asian, 3.8%; 44 homozygotes.

Submissions (7):

Labcorp Genetics (formerly Invitae), Labcorp
Classification: Benign for Cerebral creatine deficiency syndrome. Last evaluated: 2026-01-31. Review status: criteria provided, single submitter. Criteria: Invitae Variant Classification Sherloc (09022015). Collection method: clinical testing. Allele origin: germline.

Athena Diagnostics
Classification: Benign. Last evaluated: 2025-01-07. Review status: criteria provided, single submitter. Criteria: Athena Diagnostics Criteria. Collection method: clinical testing. Allele origin: unknown.
Comment: The frequency of this variant in the general population is higher than would generally be expected for pathogenic variants in this gene.

Mayo Clinic Laboratories, Mayo Clinic
Classification: Benign. Last evaluated: 2022-01-23. Review status: criteria provided, single submitter. Criteria: ACMG Guidelines, 2015. Collection method: clinical testing. Allele origin: germline. Observed: 8 variant alleles.
Comment: BS1, BS2, BP4, BP7

Illumina Laboratory Services, Illumina
Classification: Benign for Deficiency of guanidinoacetate methyltransferase. Last evaluated: 2018-01-12. Review status: criteria provided, single submitter. Criteria: ICSL Variant Classification Criteria 13 December 2019. Collection method: clinical testing. Allele origin: germline.
Comment: This variant was observed in the ICSL laboratory as part of a predisposition screen in an ostensibly healthy population. It had not been previously curated by ICSL or reported in the Human Gene Mutation Database (HGMD: prior to June 1st, 2018), and was therefore a candidate for classification through an automated scoring system. Utilizing variant allele frequency, disease prevalence and penetrance estimates, and inheritance mode, an automated score was calculated to assess if this variant is too frequent to cause the disease. Based on the score and internal cut-off values, a variant classified as benign is not then subjected to further curation. The score for this variant resulted in a classification of benign for this disease.

Ambry Genetics
Classification: Benign for Inborn genetic diseases. Last evaluated: 2016-09-06. Review status: criteria provided, single submitter. Criteria: Ambry Variant Classification Scheme 2023. Collection method: clinical testing. Allele origin: germline.

GeneDx
Classification: Benign. Last evaluated: 2013-01-23. Review status: criteria provided, single submitter. Criteria: GeneDx Variant Classification (06012015). Collection method: clinical testing. Allele origin: germline. Affected: yes.
Comment: This variant is considered likely benign or benign based on one or more of the following criteria: it is a conservative change, it occurs at a poorly conserved position in the protein, it is predicted to be benign by multiple in silico algorithms, and/or has population frequency not consistent with disease.

PreventionGenetics, part of Exact Sciences
Classification: Benign for GAMT-related condition. Last evaluated: 2019-03-29. Review status: no assertion criteria provided. Collection method: clinical testing. Allele origin: germline. Not counted in ClinVar's aggregate classification.
Comment: This variant is classified as benign based on ACMG/AMP sequence variant interpretation guidelines (Richards et al. 2015 PMID: 25741868, with internal and published modifications).

Literature cited by the submitters: PubMed 28758966 (cited by Athena Diagnostics).